The following is an entry in ClinVar:

ClinVar aggregate classification (germline): Likely benign. Review status: criteria provided, multiple submitters, no conflicts (2 of 4 stars). 3 submissions from 3 submitters: Likely benign (2). 1 of the submissions does not count toward it. Last evaluated 2024-03-12.

Conditions:
COL18A1-related disorder. Also called: COL18A1-related disorders; COL18A1-related condition.

Allele frequency attached by ClinVar (database versions not stated): TOPMed below 0.00001; gnomAD 0.00001.
gnomAD v4.1: 7 of 1,595,364 alleles (0.00044%); highest among the groups gnomAD compares: Non-Finnish European, 0.00051%; no homozygotes.

Submissions (3):

Blueprint Genetics
Classification: Likely benign. Last evaluated: 2024-03-12. Review status: criteria provided, single submitter. Criteria: ACMG Guidelines, 2015. Collection method: clinical testing. Allele origin: germline.

Labcorp Genetics (formerly Invitae), Labcorp
Classification: Likely benign. Last evaluated: 2024-01-08. Review status: criteria provided, single submitter. Criteria: Invitae Variant Classification Sherloc (09022015). Collection method: clinical testing. Allele origin: germline.

PreventionGenetics, part of Exact Sciences
Classification: Likely benign for COL18A1-related condition. Last evaluated: 2020-09-30. Review status: no assertion criteria provided. Collection method: clinical testing. Allele origin: germline. Not counted in ClinVar's aggregate classification.
Comment: This variant is classified as likely benign based on ACMG/AMP sequence variant interpretation guidelines (Richards et al. 2015 PMID: 25741868, with internal and published modifications).

NM_001379500.1(COL18A1):c.652-6A>G

Gene: COL18A1 (collagen type XVIII alpha 1 chain; plus strand). Cytogenetic location: 21q22.3.
Variant type: single nucleotide variant.
Coding change: c.652-6A>G on transcript NM_001379500.1 (MANE Select); 6 bases into the intron before coding-DNA position 652, A replaced by G.
Molecular consequence: intron variant.
Genome position (GRCh38, 1-based): chr21:45,473,889, A>G. VCF-style: chr21-45473889-A-G. GRCh37 (hg19) VCF-style: chr21-46893803-A-G.
Other names: c.1897-6A>G (NM_130444.3); c.1192-6A>G (NM_030582.4, NM_030582.3).
Identifiers: ClinVar variation 2174688 (VCV002174688.7), dbSNP rs759002395, ClinGen allele CA638165357.